The following is an entry in ClinVar:

NM_138927.4(SON):c.2431A>G (p.Met811Val)

Gene: SON (SON DNA and RNA binding protein; plus strand). Cytogenetic location: 21q22.11.
Variant type: single nucleotide variant.
Coding change: c.2431A>G on transcript NM_138927.4 (MANE Select); coding-DNA position 2431, A replaced by G.
Protein change: p.Met811Val; replaces methionine 811 with valine.
Molecular consequence: missense variant. On other transcripts: non-coding transcript variant (1), intron variant (1).
Genome position (GRCh38, 1-based): chr21:33,551,662, A>G. VCF-style: chr21-33551662-A-G. GRCh37 (hg19) VCF-style: chr21-34923968-A-G.
Other names: c.2431A>G, p.Met811Val (NM_001291411.2, NM_001412133.1, NM_032195.3 and 2 more transcripts); c.244+5283A>G (NM_001291412.3); short protein forms M811V.
Identifiers: ClinVar variation 3011285 (VCV003011285.3), dbSNP rs145834756, ClinGen allele CA10009103.
Genomic context (GRCh38, chr21:33,551,662, plus strand): 5'-ATGGACTCCCAGATGTTAGCAACCAGTTCCATGGACTCCCAGATGTTAGCAACCAGCTCC[A>G]TGGACTCCCAGATGTTAGCAACCAGCTCCATGGACTCCCAGATGTTAGCAACCAGCTCCA-3'
Protein context (NP_620305.3, residues 801-821): MDSQMLATSS[Met811Val]DSQMLATSSM

ClinVar aggregate classification (germline): Uncertain significance (1 of 4 stars; one submission).

Allele frequency attached by ClinVar (database versions not stated): TOPMed below 0.00001; ExAC 0.00002; ESP Exome Variant Server 0.00008.
gnomAD v4.1: 3 of 1,612,438 alleles (0.00019%); highest among the groups gnomAD compares: East Asian, 0.0045%; no homozygotes.

Submission:

Labcorp Genetics (formerly Invitae), Labcorp
Classification: Uncertain significance. Last evaluated: 2023-04-15. Review status: criteria provided, single submitter. Criteria: Invitae Variant Classification Sherloc (09022015). Collection method: clinical testing. Allele origin: germline.
Comment: In summary, the available evidence is currently insufficient to determine the role of this variant in disease. Therefore, it has been classified as a Variant of Uncertain Significance. An algorithm developed to predict the effect of missense changes on protein structure and function (PolyPhen-2) suggests that this variant is likely to be tolerated. This variant has not been reported in the literature in individuals affected with SON-related conditions. This variant is not present in population databases (gnomAD no frequency). This sequence change replaces methionine, which is neutral and non-polar, with valine, which is neutral and non-polar, at codon 811 of the SON protein (p.Met811Val).